The following is an entry in ClinVar:

NM_005732.4(RAD50):c.2991A>G (p.Ile997Met)

Gene: RAD50 (RAD50 double strand break repair protein; plus strand). Cytogenetic location: 5q31.1.
Variant type: single nucleotide variant.
Coding change: c.2991A>G on transcript NM_005732.4 (MANE Select); coding-DNA position 2991, A replaced by G.
Protein change: p.Ile997Met; replaces isoleucine 997 with methionine.
Molecular consequence: missense variant.
Genome position (GRCh38, 1-based): chr5:132,609,351, A>G. VCF-style: chr5-132609351-A-G. GRCh37 (hg19) VCF-style: chr5-131945043-A-G.
Other names: short protein forms I997M.
Identifiers: ClinVar variation 3429534 (VCV003429534.1).

ClinVar aggregate classification (germline): Uncertain significance (1 of 4 stars; one submission).

Conditions:
Hereditary cancer-predisposing syndrome. Also called: Neoplastic Syndromes, Hereditary; Tumor predisposition; Hereditary Cancer Syndrome; Hereditary neoplastic syndrome. Identifiers: Orphanet 140162, MedGen C0027672, MeSH D009386, MONDO:0015356.

Submission:

Ambry Genetics
Classification: Uncertain significance for Hereditary cancer-predisposing syndrome. Last evaluated: 2024-11-26. Review status: criteria provided, single submitter. Criteria: Ambry Variant Classification Scheme 2023. Collection method: clinical testing. Allele origin: germline.
Comment: The p.I997M variant (also known as c.2991A>G), located in coding exon 19 of the RAD50 gene, results from an A to G substitution at nucleotide position 2991. The isoleucine at codon 997 is replaced by methionine, an amino acid with highly similar properties. This amino acid position is conserved. In addition, this alteration is predicted to be tolerated by in silico analysis. Based on the available evidence, the clinical significance of this variant remains unclear.